The following is an entry in ClinVar:

ClinVar aggregate classification (germline): Benign (1 of 4 stars; one submission).

Conditions:
Succinyl-CoA acetoacetate transferase deficiency (SCOTD). Also called: 3-Oxoacid CoA Transferase Deficiency; KETOACIDOSIS DUE TO SCOT DEFICIENCY; SCOT DEFICIENCY; SUCCINYL-CoA:3-KETOACID CoA-TRANSFERASE DEFICIENCY; Succinyl CoA:3-oxoacid CoA transferase deficiency. Identifiers: Orphanet 832, MedGen C0342792, MONDO:0009492, OMIM 245050.

Allele frequency attached by ClinVar (database versions not stated): gnomAD 0.01110 and 0.01432; TOPMed 0.01688; 1000 Genomes Project 30x 0.03779; 1000 Genomes Project 0.03834.

Submission:

Illumina Laboratory Services, Illumina
Classification: Benign for Succinyl-CoA acetoacetate transferase deficiency. Last evaluated: 2018-01-13. Review status: criteria provided, single submitter. Criteria: ICSL Variant Classification Criteria 13 December 2019. Collection method: clinical testing. Allele origin: germline.
Comment: This variant was observed in the ICSL laboratory as part of a predisposition screen in an ostensibly healthy population. It had not been previously curated by ICSL or reported in the Human Gene Mutation Database (HGMD: prior to June 1st, 2018), and was therefore a candidate for classification through an automated scoring system. Utilizing variant allele frequency, disease prevalence and penetrance estimates, and inheritance mode, an automated score was calculated to assess if this variant is too frequent to cause the disease. Based on the score and internal cut-off values, a variant classified as benign is not then subjected to further curation. The score for this variant resulted in a classification of benign for this disease.

NM_000436.4(OXCT1):c.*1434G>C

Gene: OXCT1 (3-oxoacid CoA-transferase 1; minus strand). Cytogenetic location: 5p13.1.
Variant type: single nucleotide variant.
Coding change: c.*1434G>C on transcript NM_000436.4 (MANE Select); 1434 bases downstream of the stop codon, G replaced by C.
Molecular consequence: 3 prime UTR variant. On other transcripts: non-coding transcript variant (1).
Genome position (GRCh38, 1-based): chr5:41,730,295, C>G on the plus strand (G>C on the coding strand, the complement: OXCT1 is on the minus strand). VCF-style: chr5-41730295-C-G. GRCh37 (hg19) VCF-style: chr5-41730397-C-G.
Other names: c.*1434G>C (NM_001364299.2, NM_001364300.2, NM_001364301.2 and 2 more transcripts).
Identifiers: ClinVar variation 353645 (VCV000353645.5), dbSNP rs77675837, ClinGen allele CA10624566.